The following is an entry in ClinVar:

ClinVar aggregate classification (germline): Uncertain significance (1 of 4 stars; one submission).

Conditions:
Acute myeloid leukemia (AML). Also called: Acute myeloid leukemia, adult; AML adult; Acute non-lymphocytic leukemia; Acute granulocytic leukemia; Leukemia, acute myelogenous, somatic; Leukemia, acute myeloid, somatic. Identifiers: Orphanet 519, MedGen C0023467, MeSH D015470, MONDO:0018874, OMIM 601626, HP:0004808. Disease mechanism: Constitutively activated FLT3.

Submission:

Labcorp Genetics (formerly Invitae), Labcorp
Classification: Uncertain significance for Acute myeloid leukemia. Last evaluated: 2020-10-10. Review status: criteria provided, single submitter. Criteria: Invitae Variant Classification Sherloc (09022015). Collection method: clinical testing. Allele origin: germline.
Comment: The frequency data for this variant in the population databases is considered unreliable, as metrics indicate insufficient coverage at this position in the ExAC database. This sequence change replaces alanine with threonine at codon 211 of the CEBPA protein (p.Ala211Thr). The alanine residue is moderately conserved and there is a small physicochemical difference between alanine and threonine. In summary, the available evidence is currently insufficient to determine the role of this variant in disease. Therefore, it has been classified as a Variant of Uncertain Significance. Algorithms developed to predict the effect of missense changes on protein structure and function are either unavailable or do not agree on the potential impact of this missense change (SIFT: "Deleterious"; PolyPhen-2: "Probably Damaging"; Align-GVGD: "Class C0"). This variant has not been reported in the literature in individuals with CEBPA-related conditions.

NM_004364.5(CEBPA):c.631G>A (p.Ala211Thr)

Gene: CEBPA (CCAAT enhancer binding protein alpha; minus strand). Cytogenetic location: 19q13.11.
Variant type: single nucleotide variant.
Coding change: c.631G>A on transcript NM_004364.5 (MANE Select); coding-DNA position 631, G replaced by A.
Protein change: p.Ala211Thr; replaces alanine 211 with threonine.
Molecular consequence: missense variant.
Genome position (GRCh38, 1-based): chr19:33,301,784, C>T on the plus strand (G>A on the coding strand, the complement: CEBPA is on the minus strand). VCF-style: chr19-33301784-C-T. GRCh37 (hg19) VCF-style: chr19-33792690-C-T.
Other names: c.274G>A, p.Ala92Thr (NM_001285829.2); c.736G>A, p.Ala246Thr (NM_001287424.2); c.589G>A, p.Ala197Thr (NM_001287435.2); short protein forms A197T, A211T, A246T, A92T.
Identifiers: ClinVar variation 1042677 (VCV001042677.9), dbSNP rs1568419687, ClinGen allele CA405274540.
Genomic context (GRCh38, chr19:33,301,784, plus strand): 5'-GCGTGGGCGGCGGCGTGGGGTGACCGGGCTGCAGGTGCATGGTGGTCTGGCCGCAGTGCG[C>T]GATCTGGAACTGCAGGTGCGGGGCGGCCAGGTGCGCGGGCGGCGGGTGCGGGTGCGGGTG-3'
Protein context (NP_004355.2, residues 201-221): LAAPHLQFQI[Ala211Thr]HCGQTTMHLQ